The following is an entry in ClinVar:

NM_000785.4(CYP27B1):c.361C>T (p.Gln121Ter)

Gene: CYP27B1 (cytochrome P450 family 27 subfamily B member 1; minus strand). Cytogenetic location: 12q14.1.
Variant type: single nucleotide variant.
Coding change: c.361C>T on transcript NM_000785.4 (MANE Select); coding-DNA position 361, C replaced by T.
Protein change: p.Gln121Ter; replaces glutamine 121 with a stop codon.
Molecular consequence: nonsense.
Genome position (GRCh38, 1-based): chr12:57,766,032, G>A on the plus strand (C>T on the coding strand, the complement: CYP27B1 is on the minus strand). VCF-style: chr12-57766032-G-A. GRCh37 (hg19) VCF-style: chr12-58159815-G-A.
Other names: short protein forms Q121*.
Identifiers: ClinVar variation 1943277 (VCV001943277.6), dbSNP rs760233049, ClinGen allele CA6658486.

ClinVar aggregate classification (germline): Pathogenic (1 of 4 stars; one submission).

Allele frequency attached by ClinVar (database versions not stated): TOPMed below 0.00001; gnomAD exomes 0.00001; ExAC 0.00005.
gnomAD v4.1: 3 of 1,568,958 alleles (0.00019%); highest among the groups gnomAD compares: Admixed American, 0.0055%; no homozygotes.

Submission:

Labcorp Genetics (formerly Invitae), Labcorp
Classification: Pathogenic. Last evaluated: 2024-03-29. Review status: criteria provided, single submitter. Criteria: Invitae Variant Classification Sherloc (09022015). Collection method: clinical testing. Allele origin: germline.
Comment: This sequence change creates a premature translational stop signal (p.Gln121*) in the CYP27B1 gene. It is expected to result in an absent or disrupted protein product. Loss-of-function variants in CYP27B1 are known to be pathogenic (PMID: 9837822, 17488797). The frequency data for this variant in the population databases is considered unreliable, as metrics indicate poor data quality at this position in the gnomAD database. This variant has not been reported in the literature in individuals affected with CYP27B1-related conditions. ClinVar contains an entry for this variant (Variation ID: 1943277). For these reasons, this variant has been classified as Pathogenic.

Literature cited by the submitters: PubMed 9837822; PubMed 17488797.